The following is an entry in ClinVar:

NM_001018005.2(TPM1):c.115-262C>T

Gene: TPM1 (tropomyosin 1; plus strand). Cytogenetic location: 15q22.2.
Variant type: single nucleotide variant.
Coding change: c.115-262C>T on transcript NM_001018005.2 (MANE Select); 262 bases into the intron before coding-DNA position 115, C replaced by T.
Molecular consequence: intron variant. On other transcripts: synonymous variant (4).
Genome position (GRCh38, 1-based): chr15:63,043,765, C>T. VCF-style: chr15-63043765-C-T. GRCh37 (hg19) VCF-style: chr15-63335964-C-T.
Other names: c.174C>T, p.Asp58= (NM_001018007.2, NM_001018020.2, NM_001301244.2 and 1 more transcripts); c.115-262C>T (NM_001018006.2, NM_001365776.1, NM_001018004.2 and 3 more transcripts); c.174C>T (NM_001018007.1).
Identifiers: ClinVar variation 43686 (VCV000043686.42), dbSNP rs74573041, ClinGen allele CA018609.

ClinVar aggregate classification (germline): Benign/Likely benign. Review status: criteria provided, multiple submitters, no conflicts (2 of 4 stars). 9 submissions from 9 submitters: Benign (5); Likely benign (2). 2 of the submissions do not count toward it. Last evaluated 2026-09-01.

Conditions:
TPM1-related disorder. Also called: TPM1-related condition.
Cardiomyopathy (CMYO). Also called: Cardiomyopathies. Identifiers: Orphanet 167848, MedGen C0878544, MONDO:0004994, HP:0001638. Inheritance: Various modes of inheritance.

Allele frequency attached by ClinVar (database versions not stated): 1000 Genomes Project 30x 0.00141; gnomAD exomes 0.00011 and 0.00021; ExAC 0.00040; gnomAD 0.00079 and 0.00075; TOPMed 0.00093; 1000 Genomes Project 0.00120.

Submissions (9):

CeGaT Center for Human Genetics Tuebingen
Classification: Likely benign. Last evaluated: 2026-09-01. Review status: criteria provided, single submitter. Criteria: CeGaT Center For Human Genetics Tuebingen Variant Classification Criteria Version 2. Collection method: clinical testing. Allele origin: germline. Affected: yes. Observed: 4 variant alleles.
Comment: TPM1: BP4, BS1

Molecular Diagnostic Laboratory for Inherited Cardiovascular Disease, Montreal Heart Institute
Classification: Benign. Last evaluated: 2025-04-09. Review status: criteria provided, single submitter. Criteria: ACMG Guidelines, 2015. Collection method: clinical testing. Allele origin: germline. Affected: no.
Comment: BS1;BP6;BP7

PreventionGenetics, part of Exact Sciences
Classification: Benign for TPM1-related condition. Last evaluated: 2024-12-20. Review status: criteria provided, single submitter. Criteria: ACMG Guidelines, 2015. Collection method: clinical testing. Allele origin: germline.
Comment: This variant is classified as benign based on ACMG/AMP sequence variant interpretation guidelines (Richards et al. 2015 PMID: 25741868, with internal and published modifications).

Blueprint Genetics
Classification: Likely benign. Last evaluated: 2024-08-09. Review status: criteria provided, single submitter. Criteria: ACMG Guidelines, 2015. Collection method: clinical testing. Allele origin: germline.

Color Diagnostics, LLC DBA Color Health
Classification: Benign for Cardiomyopathy. Last evaluated: 2018-10-15. Review status: criteria provided, single submitter. Criteria: ACMG Guidelines, 2015. Collection method: clinical testing. Allele origin: germline.

Laboratory for Molecular Medicine, Mass General Brigham Personalized Medicine
Classification: Benign. Last evaluated: 2017-12-08. Review status: criteria provided, single submitter. Criteria: LMM Criteria. Collection method: clinical testing. Allele origin: germline. Observed: 4 variant alleles.
Comment: p.Asp58Asp in exon 1A of TPM1: This variant is not expected to have clinical sig nificance because it does not alter an amino acid residue and is not located wit hin the splice consensus sequence. It has been identified in 0.2% (37/15892) of African chromosomes by the Genome Aggregation Database (gnomAD; dbSNP rs74573041) BA1, BP4, BP7

GeneDx
Classification: Benign. Last evaluated: 2015-03-03. Review status: criteria provided, single submitter. Criteria: GeneDx Variant Classification Process June 2021. Collection method: clinical testing. Allele origin: germline. Affected: yes.

Clinical Genetics, Academic Medical Center
Classification: Benign. Review status: no assertion criteria provided. Collection method: clinical testing. Allele origin: germline. Affected: yes. Study: VKGL Data-share Consensus. Not counted in ClinVar's aggregate classification.

Joint Genome Diagnostic Labs from Nijmegen and Maastricht, Radboudumc and MUMC+
Classification: Likely benign. Review status: no assertion criteria provided. Collection method: clinical testing. Allele origin: germline. Affected: yes. Study: VKGL Data-share Consensus. Not counted in ClinVar's aggregate classification.